The following is an entry in ClinVar:

ClinVar aggregate classification (germline): Likely benign. Review status: criteria provided, multiple submitters, no conflicts (2 of 4 stars). 3 submissions from 3 submitters: Likely benign (2). 1 of the submissions does not count toward it. Last evaluated 2025-08-25.

Conditions:
KIF7-related disorder. Also called: KIF7-related condition.
Acrocallosal syndrome (ACLS). Also called: HALLUX DUPLICATION, POSTAXIAL POLYDACTYLY, AND ABSENCE OF CORPUS CALLOSUM; Schinzel syndrome 1; Absence of corpus callosum with unusual facial appearance, mental deficiency, duplication of the halluces and polydactyly. Identifiers: Orphanet 36, MedGen C0796147, MONDO:0008708, OMIM 200990.

Allele frequency attached by ClinVar (database versions not stated): 1000 Genomes Project 30x 0.00031; 1000 Genomes Project 0.00040.
gnomAD v4.1: 12 of 1,548,194 alleles (0.00078%); highest among the groups gnomAD compares: African/African-American, 0.0027%; no homozygotes.

Submissions (3):

Labcorp Genetics (formerly Invitae), Labcorp
Classification: Likely benign for Acrocallosal syndrome. Last evaluated: 2025-08-25. Review status: criteria provided, single submitter. Criteria: Invitae Variant Classification Sherloc (09022015). Collection method: clinical testing. Allele origin: germline.

Breakthrough Genomics
Classification: Likely benign. Review status: criteria provided, single submitter. Criteria: ACMG Guidelines, 2015. Collection method: not provided. Allele origin: germline. Inheritance: Autosomal recessive inheritance. Affected: yes.

PreventionGenetics, part of Exact Sciences
Classification: Likely benign for KIF7-related condition. Last evaluated: 2019-03-21. Review status: no assertion criteria provided. Collection method: clinical testing. Allele origin: germline. Not counted in ClinVar's aggregate classification.
Comment: This variant is classified as likely benign based on ACMG/AMP sequence variant interpretation guidelines (Richards et al. 2015 PMID: 25741868, with internal and published modifications).

NM_198525.3(KIF7):c.732C>G (p.Leu244=)

Gene: KIF7 (kinesin family member 7; minus strand). Cytogenetic location: 15q26.1.
Variant type: single nucleotide variant.
Coding change: c.732C>G on transcript NM_198525.3 (MANE Select); coding-DNA position 732, C replaced by G.
Protein change: p.Leu244=; no amino-acid change (leucine 244 retained).
Molecular consequence: synonymous variant.
Genome position (GRCh38, 1-based): chr15:89,649,165, G>C on the plus strand (C>G on the coding strand, the complement: KIF7 is on the minus strand). VCF-style: chr15-89649165-G-C. GRCh37 (hg19) VCF-style: chr15-90192396-G-C.
Other names: c.732C>G (NM_198525.2).
Identifiers: ClinVar variation 1651682 (VCV001651682.11), dbSNP rs549780424, ClinGen allele CA7728613.